The following is an entry in ClinVar:

NM_004527.4(MEOX1):c.452G>A (p.Arg151Gln)

Gene: MEOX1 (mesenchyme homeobox 1; minus strand). Cytogenetic location: 17q21.31.
Variant type: single nucleotide variant.
Coding change: c.452G>A on transcript NM_004527.4 (MANE Select); coding-DNA position 452, G replaced by A.
Protein change: p.Arg151Gln; replaces arginine 151 with glutamine.
Molecular consequence: missense variant.
Genome position (GRCh38, 1-based): chr17:43,661,083, C>T on the plus strand (G>A on the coding strand, the complement: MEOX1 is on the minus strand). VCF-style: chr17-43661083-C-T. GRCh37 (hg19) VCF-style: chr17-41738451-C-T.
Other names: c.107G>A, p.Arg36Gln (NM_001040002.2); c.452G>A, p.Arg151Gln (NM_013999.4); c.452G>A (NM_004527.3); short protein forms R151Q, R36Q.
Identifiers: ClinVar variation 2050999 (VCV002050999.5), dbSNP rs777237192, ClinGen allele CA8592629.

ClinVar aggregate classification (germline): Uncertain significance. Review status: criteria provided, multiple submitters, no conflicts (2 of 4 stars). 2 submissions from 2 submitters: Uncertain significance (2). Last evaluated 2025-08-28.

Conditions:
Inborn genetic diseases. Identifiers: MedGen C0950123, MeSH D030342.

Allele frequency attached by ClinVar (database versions not stated): gnomAD exomes 0.00003; ExAC 0.00004; gnomAD 0.00001; TOPMed 0.00003.
gnomAD v4.1: 35 of 1,498,488 alleles (0.0023%); highest among the groups gnomAD compares: South Asian, 0.017%; no homozygotes.

Submissions (2):

Ambry Genetics
Classification: Uncertain significance for Inborn genetic diseases. Last evaluated: 2025-08-28. Review status: criteria provided, single submitter. Criteria: Ambry Variant Classification Scheme 2023. Collection method: clinical testing. Allele origin: germline.

Labcorp Genetics (formerly Invitae), Labcorp
Classification: Uncertain significance. Last evaluated: 2022-07-27. Review status: criteria provided, single submitter. Criteria: Invitae Variant Classification Sherloc (09022015). Collection method: clinical testing. Allele origin: germline.
Comment: In summary, the available evidence is currently insufficient to determine the role of this variant in disease. Therefore, it has been classified as a Variant of Uncertain Significance. This sequence change replaces arginine, which is basic and polar, with glutamine, which is neutral and polar, at codon 151 of the MEOX1 protein (p.Arg151Gln). This variant is present in population databases (rs777237192, gnomAD 0.02%). This variant has not been reported in the literature in individuals affected with MEOX1-related conditions. Algorithms developed to predict the effect of missense changes on protein structure and function are either unavailable or do not agree on the potential impact of this missense change (SIFT: "Deleterious"; PolyPhen-2: "Benign"; Align-GVGD: "Class C35").